The following is an entry in ClinVar:

NM_000540.3(RYR1):c.12585G>T (p.Glu4195Asp)

Gene: RYR1 (ryanodine receptor 1; plus strand). Cytogenetic location: 19q13.2.
Variant type: single nucleotide variant.
Coding change: c.12585G>T on transcript NM_000540.3 (MANE Select); coding-DNA position 12585, G replaced by T.
Protein change: p.Glu4195Asp; replaces glutamic acid 4195 with aspartic acid.
Molecular consequence: missense variant.
Genome position (GRCh38, 1-based): chr19:38,561,415, G>T. VCF-style: chr19-38561415-G-T. GRCh37 (hg19) VCF-style: chr19-39052055-G-T.
Other names: c.12570G>T, p.Glu4190Asp (NM_001042723.2); short protein forms E4190D, E4195D.
Identifiers: ClinVar variation 1377190 (VCV001377190.7), dbSNP rs982601268, ClinGen allele CA308105957.

ClinVar aggregate classification (germline): Uncertain significance. Review status: criteria provided, multiple submitters, no conflicts (2 of 4 stars). 3 submissions from 3 submitters: Uncertain significance (3). Last evaluated 2025-01-13.

Conditions:
Malignant hyperthermia, susceptibility to, 1 (MHS1). Also called: RYR1-Related Malignant Hyperthermia Susceptibility; Anesthesia related hyperthermia; Malignant hyperpyrexia; Fulminating hyperpyrexia; Pharmacogenic myopathy; Malignant hyperthermia suceptibility 1. Identifiers: Orphanet 423, MedGen C2930980, MONDO:0007783, OMIM 145600.
Congenital multicore myopathy with external ophthalmoplegia (CMYO1B). Also called: Minicore myopathy with external ophthalmoplegia; Congenital myopathy 1B, autosomal recessive; Minicore myopathy; MULTICORE MYOPATHY; MULTIMINICORE DISEASE WITH EXTERNAL OPHTHALMOPLEGIA. Identifiers: Orphanet 598, Orphanet 98905, MedGen C1850674, MONDO:0009712, OMIM 255320, HP:0003789.
Congenital myopathy with fiber type disproportion. Also called: Congenital fiber-type disproportion myopathy; Congenital fiber-type disproportion. Identifiers: Orphanet 2020, MedGen C0546264, MONDO:0009711. Inheritance: all.
Central core myopathy (CMYO1A). Also called: Central core disease; Myopathy, central fibrillar; CONGENITAL MYOPATHY 1A, AUTOSOMAL DOMINANT, WITH SUSCEPTIBILITY TO MALIGNANT HYPERTHERMIA. Identifiers: Orphanet 597, MedGen C5830701, MONDO:0007294, OMIM 117000.
King Denborough syndrome (KDS). Identifiers: MedGen C1840365, MONDO:0020485, OMIM 619542.
RYR1-related disorder. Also called: RYR1-related disorders; RYR1-related condition. Identifiers: MedGen CN239331.

Allele frequency attached by ClinVar (database versions not stated): TOPMed 0.00001; gnomAD exomes 0.00005.
gnomAD v4.1: 65 of 1,612,228 alleles (0.004%); highest among the groups gnomAD compares: Non-Finnish European, 0.0054%; no homozygotes.

Submissions (3):

Labcorp Genetics (formerly Invitae), Labcorp
Classification: Uncertain significance for RYR1-related disorder. Last evaluated: 2025-01-13. Review status: criteria provided, single submitter. Criteria: Invitae Variant Classification Sherloc (09022015). Collection method: clinical testing. Allele origin: germline.
Comment: This sequence change replaces glutamic acid, which is acidic and polar, with aspartic acid, which is acidic and polar, at codon 4195 of the RYR1 protein (p.Glu4195Asp). This variant is not present in population databases (gnomAD no frequency). This variant has not been reported in the literature in individuals affected with RYR1-related conditions. ClinVar contains an entry for this variant (Variation ID: 1377190). Invitae Evidence Modeling of protein sequence and biophysical properties (such as structural, functional, and spatial information, amino acid conservation, physicochemical variation, residue mobility, and thermodynamic stability) indicates that this missense variant is expected to disrupt RYR1 protein function with a positive predictive value of 80%. In summary, the available evidence is currently insufficient to determine the role of this variant in disease. Therefore, it has been classified as a Variant of Uncertain Significance.

All of Us Research Program, National Institutes of Health
Classification: Uncertain significance for Malignant hyperthermia, susceptibility to, 1. Last evaluated: 2023-12-01. Review status: criteria provided, single submitter. Criteria: ACMG Guidelines, 2015. Collection method: clinical testing. Allele origin: germline. Inheritance: Autosomal dominant inheritance. Observed: 1 variant allele, 1 heterozygote.
Comment: This study involves interpretation of variants in research participants for the purpose of population health screening. Participant phenotype was not available at the time of variant classification. Additional details can be found in publication PMID: 35346344, PMCID: PMC8962531

Fulgent Genetics
Classification: Uncertain significance for Central core myopathy; Malignant hyperthermia, susceptibility to, 1; Congenital myopathy 4A, autosomal dominant; Congenital multicore myopathy with external ophthalmoplegia; King Denborough syndrome. Last evaluated: 2021-11-20. Review status: criteria provided, single submitter. Criteria: ACMG Guidelines, 2015. Collection method: clinical testing. Allele origin: unknown.